The following is an entry in ClinVar:

ClinVar aggregate classification (germline): Uncertain significance (1 of 4 stars; one submission).

Allele frequency attached by ClinVar (database versions not stated): gnomAD exomes 0.00002.
gnomAD v4.1: 23 of 1,613,860 alleles (0.0014%); highest among the groups gnomAD compares: Non-Finnish European, 0.0019%; no homozygotes.

Submission:

Women's Health and Genetics/Laboratory Corporation of America, LabCorp
Classification: Uncertain significance. Last evaluated: 2023-06-27. Review status: criteria provided, single submitter. Criteria: LabCorp Variant Classification Summary - May 2015. Collection method: clinical testing. Allele origin: germline.
Comment: Variant summary: MACF1 c.282+3A>C alters a non-conserved nucleotide located close to a canonical splice site and therefore could affect mRNA splicing, leading to a significantly altered protein sequence. Several computational tools predict a significant impact on normal splicing: One predicts the variant abolishes a canonical 5' splicing donor site and three predict the variant weakens the same canonical 5' donor site. However, these predictions have yet to be confirmed by functional studies. The variant allele was found at a frequency of 1.6e-05 in 251458 control chromosomes (gnomAD). The available data on variant occurrences in the general population are insufficient to allow any conclusion about variant significance. To our knowledge, no occurrence of c.282+3A>C in individuals affected with Lissencephaly 9 With Complex Brainstem Malformation and no experimental evidence demonstrating its impact on protein function have been reported. No submitters have cited clinical-significance assessments for this variant to ClinVar after 2014. Based on the evidence outlined above, the variant was classified as uncertain significance.

NM_001394062.1(MACF1):c.171+3A>C

Gene: MACF1 (microtubule actin crosslinking factor 1; plus strand). Cytogenetic location: 1p34.3.
Variant type: single nucleotide variant.
Coding change: c.171+3A>C on transcript NM_001394062.1 (MANE Select); 3 bases into the intron after coding-DNA position 171, A replaced by C.
Molecular consequence: intron variant.
Genome position (GRCh38, 1-based): chr1:39,231,246, A>C. VCF-style: chr1-39231246-A-C. GRCh37 (hg19) VCF-style: chr1-39696918-A-C.
Other names: c.282+3A>C (NM_012090.5).
Identifiers: ClinVar variation 2573563 (VCV002573563.1), dbSNP rs1407777780, ClinGen allele CA522369579.